The following is an entry in ClinVar:

ClinVar aggregate classification (germline): Conflicting classifications of pathogenicity. Review status: criteria provided, conflicting classifications (1 of 4 stars). 5 submissions from 5 submitters: Uncertain significance (1); Likely benign (3). 1 of the submissions does not count toward it. Last evaluated 2026-01-17.

Conditions:
NLRP12-related disorder. Also called: NLRP12-related condition; NLRP12-related conditions.
Familial cold autoinflammatory syndrome 2 (FCAS2). Identifiers: Orphanet 247868, MedGen C2673198, MONDO:0012724, OMIM 611762.

Allele frequency attached by ClinVar (database versions not stated): ExAC 0.00021; 1000 Genomes Project 30x 0.00031; 1000 Genomes Project 0.00040; gnomAD 0.00118; TOPMed 0.00162; ESP Exome Variant Server 0.00115.
gnomAD v4.1: 272 of 1,613,902 alleles (0.017%); highest among the groups gnomAD compares: African/African-American, 0.22%; 1 homozygote.

Submissions (5):

Labcorp Genetics (formerly Invitae), Labcorp
Classification: Likely benign for Familial cold autoinflammatory syndrome 2. Last evaluated: 2026-01-17. Review status: criteria provided, single submitter. Criteria: Invitae Variant Classification Sherloc (09022015). Collection method: clinical testing. Allele origin: germline.

CeGaT Center for Human Genetics Tuebingen
Classification: Likely benign. Last evaluated: 2025-07-01. Review status: criteria provided, single submitter. Criteria: CeGaT Center For Human Genetics Tuebingen Variant Classification Criteria Version 2. Collection method: clinical testing. Allele origin: germline. Affected: yes. Observed: 1 variant allele.
Comment: NLRP12: BS1

Mayo Clinic Laboratories, Mayo Clinic
Classification: Uncertain significance. Last evaluated: 2024-05-09. Review status: criteria provided, single submitter. Criteria: ACMG Guidelines, 2015. Collection method: clinical testing. Allele origin: germline. Observed: 1 variant allele.
Comment: BS1

Breakthrough Genomics
Classification: Likely benign. Review status: criteria provided, single submitter. Criteria: ACMG Guidelines, 2015. Collection method: not provided. Allele origin: germline. Inheritance: Autosomal dominant inheritance. Affected: yes.

PreventionGenetics, part of Exact Sciences
Classification: Likely benign for NLRP12-related condition. Last evaluated: 2024-08-27. Review status: no assertion criteria provided. Collection method: clinical testing. Allele origin: germline. Not counted in ClinVar's aggregate classification.
Comment: This variant is classified as likely benign based on ACMG/AMP sequence variant interpretation guidelines (Richards et al. 2015 PMID: 25741868, with internal and published modifications).

NM_144687.4(NLRP12):c.2692G>T (p.Asp898Tyr)

Gene: NLRP12 (NLR family pyrin domain containing 12; minus strand). Cytogenetic location: 19q13.42.
Variant type: single nucleotide variant.
Coding change: c.2692G>T on transcript NM_144687.4 (MANE Select); coding-DNA position 2692, G replaced by T.
Protein change: p.Asp898Tyr; replaces aspartic acid 898 with tyrosine.
Molecular consequence: missense variant.
Genome position (GRCh38, 1-based): chr19:53,801,291, C>A on the plus strand (G>T on the coding strand, the complement: NLRP12 is on the minus strand). VCF-style: chr19-53801291-C-A. GRCh37 (hg19) VCF-style: chr19-54304545-C-A.
Other names: p.Asp898Tyr; c.2695G>T, p.Asp899Tyr (NM_001277126.2); c.2692G>T, p.Asp898Tyr (NM_001277129.1); short protein forms D898Y, D899Y.
Identifiers: ClinVar variation 785778 (VCV000785778.22), dbSNP rs138514430, ClinGen allele CA9638958.